The following is an entry in ClinVar:

ClinVar aggregate classification (germline): Conflicting classifications of pathogenicity. Review status: criteria provided, conflicting classifications (1 of 4 stars). 6 submissions from 6 submitters: Uncertain significance (3); Likely benign (2). 1 of the submissions does not count toward it. Last evaluated 2026-01-26.

Conditions:
Fumarase deficiency (FMRD). Also called: Fumaric aciduria; Fumarate Hydratase Deficiency. Identifiers: Orphanet 24, MedGen C0342770, MONDO:0011730, OMIM 606812.
Hereditary cancer-predisposing syndrome. Also called: Hereditary neoplastic syndrome; Neoplastic Syndromes, Hereditary; Hereditary Cancer Syndrome; Tumor predisposition. Identifiers: Orphanet 140162, MedGen C0027672, MeSH D009386, MONDO:0015356.

Allele frequency attached by ClinVar (database versions not stated): TOPMed 0.00001.
gnomAD v4.1: 14 of 1,613,856 alleles (0.00087%); highest among the groups gnomAD compares: Admixed American, 0.0017%; no homozygotes.

Submissions (6):

Labcorp Genetics (formerly Invitae), Labcorp
Classification: Likely benign. Last evaluated: 2026-01-26. Review status: criteria provided, single submitter. Criteria: Invitae Variant Classification Sherloc (09022015). Collection method: clinical testing. Allele origin: germline.

Center for Genomic Medicine, Rigshospitalet, Copenhagen University Hospital
Classification: Uncertain significance. Last evaluated: 2025-03-04. Review status: criteria provided, single submitter. Criteria: ACMG Guidelines, 2015. Collection method: clinical testing. Allele origin: germline.

GeneDx
Classification: Uncertain significance. Last evaluated: 2024-11-04. Review status: criteria provided, single submitter. Criteria: GeneDx Variant Classification Process June 2021. Collection method: clinical testing. Allele origin: germline. Affected: yes.
Comment: Not observed at significant frequency in large population cohorts (gnomAD); In silico analysis supports a deleterious effect on splicing; Has not been previously published as pathogenic or benign to our knowledge

Baylor Genetics
Classification: Uncertain significance for Fumarase deficiency. Last evaluated: 2023-10-02. Review status: criteria provided, single submitter. Criteria: ACMG Guidelines, 2015. Collection method: clinical testing. Allele origin: unknown.

Ambry Genetics
Classification: Likely benign for Hereditary cancer-predisposing syndrome. Last evaluated: 2022-10-28. Review status: criteria provided, single submitter. Criteria: Ambry Variant Classification Scheme 2023. Collection method: clinical testing. Allele origin: germline.

Natera, Inc.
Classification: Uncertain significance for Fumarase Deficiency. Last evaluated: 2019-10-28. Review status: no assertion criteria provided. Collection method: clinical testing. Allele origin: germline. Not counted in ClinVar's aggregate classification.

NM_000143.4(FH):c.555+4A>G

Gene: FH (fumarate hydratase; minus strand). Cytogenetic location: 1q43.
Variant type: single nucleotide variant.
Coding change: c.555+4A>G on transcript NM_000143.4 (MANE Select); 4 bases into the intron after coding-DNA position 555, A replaced by G.
Molecular consequence: intron variant.
Genome position (GRCh38, 1-based): chr1:241,511,963, T>C on the plus strand (A>G on the coding strand, the complement: FH is on the minus strand). VCF-style: chr1-241511963-T-C. GRCh37 (hg19) VCF-style: chr1-241675263-T-C.
Identifiers: ClinVar variation 571342 (VCV000571342.30), dbSNP rs776240700, ClinGen allele CA1478666.
Genomic context (GRCh38, chr1:241,511,963, plus strand): 5'-CAAGAACAATCTCAGGTATGCTTTTCAATTTATAACCAAAAAACAGCAAAGCTCACATAC[T>C]GACCTGGCTTTTATTAACATGATCGTTGGGATGCACAGGTATCTTGCTGCCAAGTTCACC-3'